The following is an entry in ClinVar:

NM_004260.4(RECQL4):c.3231T>A (p.Phe1077Leu)

Gene: RECQL4 (RecQ like helicase 4; minus strand). Cytogenetic location: 8q24.3.
Variant type: single nucleotide variant.
Coding change: c.3231T>A on transcript NM_004260.4 (MANE Select); coding-DNA position 3231, T replaced by A.
Protein change: p.Phe1077Leu; replaces phenylalanine 1077 with leucine.
Molecular consequence: missense variant.
Genome position (GRCh38, 1-based): chr8:144,512,149, A>T on the plus strand (T>A on the coding strand, the complement: RECQL4 is on the minus strand). VCF-style: chr8-144512149-A-T. GRCh37 (hg19) VCF-style: chr8-145737532-A-T.
Other names: short protein forms F1077L.
Identifiers: ClinVar variation 528915 (VCV000528915.11), dbSNP rs745453660, ClinGen allele CA4947879.

ClinVar aggregate classification (germline): Uncertain significance. Review status: criteria provided, multiple submitters, no conflicts (2 of 4 stars). 3 submissions from 3 submitters: Uncertain significance (3). Last evaluated 2026-01-08.

Conditions:
Rothmund-Thomson syndrome type 2 (RTS2). Identifiers: Orphanet 221016, MedGen C5203410, MONDO:0016369, OMIM 268400.
Baller-Gerold syndrome (BGS). Also called: CRANIOSYNOSTOSIS WITH RADIAL DEFECTS. Identifiers: Orphanet 1225, MedGen C0265308, MONDO:0009039, OMIM 218600.

Allele frequency attached by ClinVar (database versions not stated): gnomAD 0.00004 and 0.00003; gnomAD exomes 0.00004 and 0.00007; TOPMed 0.00004; ExAC 0.00003.
gnomAD v4.1: 105 of 1,607,174 alleles (0.0065%); highest among the groups gnomAD compares: Non-Finnish European, 0.0085%; no homozygotes.

Submissions (3):

Labcorp Genetics (formerly Invitae), Labcorp
Classification: Uncertain significance for Baller-Gerold syndrome. Last evaluated: 2026-01-08. Review status: criteria provided, single submitter. Criteria: Invitae Variant Classification Sherloc (09022015). Collection method: clinical testing. Allele origin: germline.
Comment: This sequence change replaces phenylalanine, which is neutral and non-polar, with leucine, which is neutral and non-polar, at codon 1077 of the RECQL4 protein (p.Phe1077Leu). This variant is present in population databases (rs745453660, gnomAD 0.008%). This variant has not been reported in the literature in individuals affected with RECQL4-related conditions. ClinVar contains an entry for this variant (Variation ID: 528915). Invitae Evidence Modeling of protein sequence and biophysical properties (such as structural, functional, and spatial information, amino acid conservation, physicochemical variation, residue mobility, and thermodynamic stability) indicates that this missense variant is not expected to disrupt RECQL4 protein function with a negative predictive value of 80%. In summary, the available evidence is currently insufficient to determine the role of this variant in disease. Therefore, it has been classified as a Variant of Uncertain Significance.

Dasa
Classification: Uncertain significance. Last evaluated: 2025-10-21. Review status: criteria provided, single submitter. Criteria: DASA Assertion Criteria. Collection method: clinical testing. Allele origin: germline.
Comment: NM_004260.4(RECQL4):c.3231T>A (p.Phe1077Leu) is a missense variant that results in the substitution of phenylalanine with leucine. This variant is rare in population databases. The currently available literature and clinical evidence are not sufficient to establish a definitive association between this variant and the reported condition. Therefore, this variant is classified as a variant of uncertain significance.

Baylor Genetics
Classification: Uncertain significance for Rothmund-Thomson syndrome type 2. Last evaluated: 2018-12-21. Review status: criteria provided, single submitter. Criteria: ACMG Guidelines, 2015. Collection method: clinical testing. Allele origin: unknown. Affected: yes. Study: CSER-TexasKidsCanSeq.
Comment: This variant was determined to be of uncertain significance according to ACMG Guidelines, 2015 [PMID:25741868].